The following is an entry in ClinVar:

ClinVar aggregate classification (germline): Uncertain significance. Review status: criteria provided, multiple submitters, no conflicts (2 of 4 stars). 2 submissions from 2 submitters: Uncertain significance (2). Last evaluated 2025-06-16.

Conditions:
Inborn genetic diseases. Identifiers: MedGen C0950123, MeSH D030342.

gnomAD v4.1: 13 of 1,578,714 alleles (0.00082%); highest among the groups gnomAD compares: East Asian, 0.0067%; no homozygotes.

Submissions (2):

Mayo Clinic Laboratories, Mayo Clinic
Classification: Uncertain significance. Last evaluated: 2025-06-16. Review status: criteria provided, single submitter. Criteria: ACMG Guidelines, 2015. Collection method: clinical testing. Allele origin: germline. Observed: 1 variant allele.
Comment: BP4

Ambry Genetics
Classification: Uncertain significance for Inborn genetic diseases. Last evaluated: 2025-03-27. Review status: criteria provided, single submitter. Criteria: Ambry Variant Classification Scheme 2023. Collection method: clinical testing. Allele origin: germline.

NM_020442.6(VARS2):c.1279G>A (p.Gly427Arg)

Gene: VARS2 (valyl-tRNA synthetase 2, mitochondrial; plus strand). Cytogenetic location: 6p21.33.
Variant type: single nucleotide variant.
Coding change: c.1279G>A on transcript NM_020442.6 (MANE Select); coding-DNA position 1279, G replaced by A.
Protein change: p.Gly427Arg; replaces glycine 427 with arginine.
Molecular consequence: missense variant.
Genome position (GRCh38, 1-based): chr6:30,920,202, G>A. VCF-style: chr6-30920202-G-A. GRCh37 (hg19) VCF-style: chr6-30887979-G-A.
Other names: p.Gly457Arg; c.859G>A, p.Gly287Arg (NM_001167733.3); c.1369G>A, p.Gly457Arg (NM_001167734.2); short protein forms G287R, G427R, G457R.
Identifiers: ClinVar variation 3979362 (VCV003979362.2).